The following is an entry in ClinVar:

ClinVar aggregate classification (germline): Uncertain significance. Review status: criteria provided, multiple submitters, no conflicts (2 of 4 stars). 2 submissions from 2 submitters: Uncertain significance (2). Last evaluated 2023-09-11.

Submissions (2):

Labcorp Genetics (formerly Invitae), Labcorp
Classification: Uncertain significance. Last evaluated: 2023-09-11. Review status: criteria provided, single submitter. Criteria: Invitae Variant Classification Sherloc (09022015). Collection method: clinical testing. Allele origin: germline.
Comment: In summary, the available evidence is currently insufficient to determine the role of this variant in disease. Therefore, it has been classified as a Variant of Uncertain Significance. An algorithm developed to predict the effect of missense changes on protein structure and function (PolyPhen-2) suggests that this variant is likely to be disruptive. ClinVar contains an entry for this variant (Variation ID: 1331608). This variant has not been reported in the literature in individuals affected with KIF2A-related conditions. This variant is not present in population databases (gnomAD no frequency). This sequence change replaces lysine, which is basic and polar, with glutamine, which is neutral and polar, at codon 87 of the KIF2A protein (p.Lys87Gln).

Greenwood Genetic Center Diagnostic Laboratories, Greenwood Genetic Center
Classification: Uncertain significance. Last evaluated: 2021-03-11. Review status: criteria provided, single submitter. Criteria: ACMG Guidelines, 2015. Collection method: clinical testing. Allele origin: germline. Affected: yes.
Comment: PP2, PM2

NM_001098511.3(KIF2A):c.259A>C (p.Lys87Gln)

Gene: KIF2A (kinesin family member 2A; plus strand). Cytogenetic location: 5q12.1.
Variant type: single nucleotide variant.
Coding change: c.259A>C on transcript NM_001098511.3 (MANE Select); coding-DNA position 259, A replaced by C.
Protein change: p.Lys87Gln; replaces lysine 87 with glutamine.
Molecular consequence: missense variant.
Genome position (GRCh38, 1-based): chr5:62,348,147, A>C. VCF-style: chr5-62348147-A-C. GRCh37 (hg19) VCF-style: chr5-61643974-A-C.
Other names: c.178A>C, p.Lys60Gln (NM_001243952.2); c.259A>C, p.Lys87Gln (NM_001243953.2, NM_004520.5); short protein forms K60Q, K87Q.
Identifiers: ClinVar variation 1331608 (VCV001331608.7), dbSNP rs2111910183, ClinGen allele CA359948598.